The following is an entry in ClinVar:

ClinVar aggregate classification (germline): Uncertain significance. Review status: criteria provided, multiple submitters, no conflicts (2 of 4 stars). 2 submissions from 2 submitters: Uncertain significance (2). Last evaluated 2022-01-26.

Conditions:
Vissers-Bodmer syndrome. Identifiers: MedGen C5436647, MONDO:0033618, OMIM 619033.
Inborn genetic diseases. Identifiers: MedGen C0950123, MeSH D030342.

Allele frequency attached by ClinVar (database versions not stated): ExAC 0.00002; gnomAD 0.00002; TOPMed 0.00003; ESP Exome Variant Server 0.00008; gnomAD exomes 0.00009.
gnomAD v4.1: 123 of 1,605,324 alleles (0.0077%); highest among the groups gnomAD compares: Non-Finnish European, 0.01%; no homozygotes.

Submissions (2):

Ambry Genetics
Classification: Uncertain significance for Inborn genetic diseases. Last evaluated: 2022-01-26. Review status: criteria provided, single submitter. Criteria: Ambry Variant Classification Scheme 2023. Collection method: clinical testing. Allele origin: germline.

Pittsburgh Clinical Genomics Laboratory, University of Pittsburgh Medical Center
Classification: Uncertain significance for Vissers-Bodmer syndrome. Last evaluated: 2021-06-29. Review status: criteria provided, single submitter. Criteria: ACMG Guidelines, 2015. Collection method: clinical testing. Allele origin: germline. Inheritance: Autosomal dominant inheritance. Affected: yes.
Comment: This sequence variant is a single nucleotide substitution (A>G) which results in a lysine to arginine amino acid change at residue 621 in the CNOT1 protein. This variant has not previously been reported in individuals with CNOT1-related disease, to our knowledge. This variant is rare in the gnomAD control population database (6/272260 alleles or 0.002%). Bioinformatic tools predict that this variant would be damaging, and the Lys621 residue is conserved in all the vertebrate species examined. Functiol studies testing the effect of this variant on protein structure or function have not been performed, to our knowledge. At this time, there is insufficient evidence to determine if this variant is pathogenic or benign. Therefore, we consider this to be a variant of uncertain significance. ACMG Criteria: PM2, PP3

NM_016284.5(CNOT1):c.1862A>G (p.Lys621Arg)

Gene: CNOT1 (CCR4-NOT transcription complex subunit 1; minus strand). Cytogenetic location: 16q21.
Variant type: single nucleotide variant.
Coding change: c.1862A>G on transcript NM_016284.5 (MANE Select); coding-DNA position 1862, A replaced by G.
Protein change: p.Lys621Arg; replaces lysine 621 with arginine.
Molecular consequence: missense variant. On other transcripts: non-coding transcript variant (1).
Genome position (GRCh38, 1-based): chr16:58,574,726, T>C on the plus strand (A>G on the coding strand, the complement: CNOT1 is on the minus strand). VCF-style: chr16-58574726-T-C. GRCh37 (hg19) VCF-style: chr16-58608630-T-C.
Other names: c.1862A>G, p.Lys621Arg (NM_001265612.2, NM_206999.3); short protein forms K621R.
Identifiers: ClinVar variation 2273712 (VCV002273712.3), dbSNP rs149234162, ClinGen allele CA8089822.
Genomic context (GRCh38, chr16:58,574,726, plus strand): 5'-GCACTTTTGGGCTGGTCTTTTTCTGGGGCAAGTCCGCCCAAAATAGAAGGACACCGTCTC[T>C]TTAAAAAAGTCATACACGCCTGGATAAAAGGCTCCTGAAGAATAGAAAAGTCTCTCAGTG-3'
Protein context (NP_057368.3, residues 611-631): PFIQACMTFL[Lys621Arg]RRCPSILGGL